The following is an entry in ClinVar:

NM_017662.5(TRPM6):c.4511C>G (p.Thr1504Arg)

Gene: TRPM6 (transient receptor potential cation channel subfamily M member 6; minus strand). Cytogenetic location: 9q21.13.
Variant type: single nucleotide variant.
Coding change: c.4511C>G on transcript NM_017662.5 (MANE Select); coding-DNA position 4511, C replaced by G.
Protein change: p.Thr1504Arg; replaces threonine 1504 with arginine.
Molecular consequence: missense variant.
Genome position (GRCh38, 1-based): chr9:74,762,160, G>C on the plus strand (C>G on the coding strand, the complement: TRPM6 is on the minus strand). VCF-style: chr9-74762160-G-C. GRCh37 (hg19) VCF-style: chr9-77377076-G-C.
Other names: c.4496C>G, p.Thr1499Arg (NM_001177310.2, NM_001177311.2); short protein forms T1504R, T1499R.
Identifiers: ClinVar variation 3597532 (VCV003597532.3).

ClinVar aggregate classification (germline): Uncertain significance. Review status: criteria provided, multiple submitters, no conflicts (2 of 4 stars). 2 submissions from 2 submitters: Uncertain significance (2). Last evaluated 2024-11-22.

Conditions:
Intestinal hypomagnesemia 1. Also called: HYPOMAGNESEMIA, INTESTINAL, WITH SECONDARY HYPOCALCEMIA; HYPOMAGNESEMIC TETANY. Identifiers: Orphanet 30924, MedGen C1865974, MONDO:0011176, OMIM 602014.

gnomAD v4.1: 18 of 1,614,112 alleles (0.0011%); highest among the groups gnomAD compares: Non-Finnish European, 0.0015%; no homozygotes.

Submissions (2):

Labcorp Genetics (formerly Invitae), Labcorp
Classification: Uncertain significance. Last evaluated: 2024-11-22. Review status: criteria provided, single submitter. Criteria: Invitae Variant Classification Sherloc (09022015). Collection method: clinical testing. Allele origin: germline.
Comment: This sequence change replaces threonine, which is neutral and polar, with arginine, which is basic and polar, at codon 1504 of the TRPM6 protein (p.Thr1504Arg). This variant is present in population databases (rs777681761, gnomAD 0.002%). This variant has not been reported in the literature in individuals affected with TRPM6-related conditions. An algorithm developed to predict the effect of missense changes on protein structure and function outputs the following: PolyPhen-2: "Benign". The arginine amino acid residue is found in multiple mammalian species, which suggests that this missense change does not adversely affect protein function. In summary, the available evidence is currently insufficient to determine the role of this variant in disease. Therefore, it has been classified as a Variant of Uncertain Significance.

Fulgent Genetics
Classification: Uncertain significance for Intestinal hypomagnesemia 1. Last evaluated: 2024-02-12. Review status: criteria provided, single submitter. Criteria: ACMG Guidelines, 2015. Collection method: clinical testing. Allele origin: germline.